The following is an entry in ClinVar:

ClinVar aggregate classification (germline): Uncertain significance (1 of 4 stars; one submission).

Conditions:
Heterotopia, periventricular, X-linked dominant (PVNH1). Also called: PERIVENTRICULAR NODULAR HETEROTOPIA 1; PERIVENTRICULAR NODULAR HETEROTOPIA 4; HETEROTOPIA, PERIVENTRICULAR, 1; X-linked periventricular heterotopia. Identifiers: Orphanet 2149, Orphanet 82004, MedGen C1848213, MONDO:0010233, OMIM 300049.
Melnick-Needles syndrome (MNS). Also called: Melnick-Needles Syndrome (FLNA-MNS); MELNICK-NEEDLES OSTEODYSPLASTY; OSTEODYSPLASTY OF MELNICK AND NEEDLES. Identifiers: Orphanet 2484, MedGen C0025237, MONDO:0010650, OMIM 309350.
Oto-palato-digital syndrome, type II (OPD2). Also called: Otopalatodigital Syndrome Type 2 (FLNA-OPD2); FACIOPALATOOSSEOUS SYNDROME; OPD II SYNDROME; Otopalatodigital Syndrome, Type II. Identifiers: Orphanet 669, Orphanet 90652, MedGen C1844696, MONDO:0010571, OMIM 304120.
Frontometaphyseal dysplasia (FMD1). Identifiers: Orphanet 1826, MedGen C0265293, MONDO:0015942.

Allele frequency attached by ClinVar (database versions not stated): gnomAD exomes below 0.00001.
gnomAD v4.1: 1 of 1,212,108 alleles (0.000083%); highest among the groups gnomAD compares: Non-Finnish European, 0.00011%; no homozygotes.

Submission:

Labcorp Genetics (formerly Invitae), Labcorp
Classification: Uncertain significance for Oto-palato-digital syndrome, type II; Heterotopia, periventricular, X-linked dominant; Frontometaphyseal dysplasia; Melnick-Needles syndrome. Last evaluated: 2022-03-26. Review status: criteria provided, single submitter. Criteria: Invitae Variant Classification Sherloc (09022015). Collection method: clinical testing. Allele origin: germline.
Comment: This variant is not present in population databases (gnomAD no frequency). This sequence change replaces valine, which is neutral and non-polar, with methionine, which is neutral and non-polar, at codon 1716 of the FLNA protein (p.Val1716Met). This variant has not been reported in the literature in individuals affected with FLNA-related conditions. In summary, the available evidence is currently insufficient to determine the role of this variant in disease. Therefore, it has been classified as a Variant of Uncertain Significance. Advanced modeling of protein sequence and biophysical properties (such as structural, functional, and spatial information, amino acid conservation, physicochemical variation, residue mobility, and thermodynamic stability) performed at Invitae indicates that this missense variant is not expected to disrupt FLNA protein function.

NM_001110556.2(FLNA):c.5170G>A (p.Val1724Met)

Gene: FLNA (filamin A; minus strand). Cytogenetic location: Xq28.
Variant type: single nucleotide variant.
Coding change: c.5170G>A on transcript NM_001110556.2 (MANE Select); coding-DNA position 5170, G replaced by A.
Protein change: p.Val1724Met; replaces valine 1724 with methionine.
Molecular consequence: missense variant.
Genome position (GRCh38, 1-based): chrX:154,354,872, C>T on the plus strand (G>A on the coding strand, the complement: FLNA is on the minus strand). VCF-style: chrX-154354872-C-T. GRCh37 (hg19) VCF-style: chrX-153583240-C-T.
Other names: c.5146G>A, p.Val1716Met (NM_001456.4); short protein forms V1716M, V1724M.
Identifiers: ClinVar variation 1938402 (VCV001938402.5), dbSNP rs2148107395, ClinGen allele CA415207395.
Genomic context (GRCh38, chrX:154,354,872, plus strand): 5'-CACCCCTCCTCACCGTCACTTGGAAGGGGCTGTTGGGCACGTGCTCGCCACCAAAGCGCA[C>T]ACAGATGACGTATTTGCCCGGCTGGGGGGCCGTGTAGAAGATGTCGAAAGTGCCGTCCTC-3'
Protein context (NP_001104026.1, residues 1714-1734): APQPGKYVIC[Val1724Met]RFGGEHVPNS